The following is an entry in ClinVar:

ClinVar aggregate classification (germline): Likely pathogenic (1 of 4 stars; one submission).

Conditions:
Primary ciliary dyskinesia 30. Also called: CILIARY DYSKINESIA, PRIMARY, 30, WITH OR WITHOUT SITUS INVERSUS. Identifiers: Orphanet 244, MedGen C4015016, MONDO:0014465, OMIM 616037.

gnomAD v4.1: 17 of 1,607,822 alleles (0.0011%); highest among the groups gnomAD compares: Non-Finnish European, 0.00093%; no homozygotes.

Submission:

Labcorp Genetics (formerly Invitae), Labcorp
Classification: Likely pathogenic for Primary ciliary dyskinesia 30. Last evaluated: 2025-02-03. Review status: criteria provided, single submitter. Criteria: Invitae Variant Classification Sherloc (09022015). Collection method: clinical testing. Allele origin: germline.
Comment: This sequence change affects a donor splice site in intron 8 of the CCDC151 gene. It is expected to disrupt RNA splicing. Variants that disrupt the donor or acceptor splice site typically lead to a loss of protein function (PMID: 16199547), and loss-of-function variants in CCDC151 are known to be pathogenic (PMID: 25192045). The frequency data for this variant in the population databases is considered unreliable, as metrics indicate poor data quality at this position in the gnomAD database. This variant has not been reported in the literature in individuals affected with CCDC151-related conditions. ClinVar contains an entry for this variant (Variation ID: 2044380). Algorithms developed to predict the effect of sequence changes on RNA splicing suggest that this variant may disrupt the consensus splice site. In summary, the currently available evidence indicates that the variant is pathogenic, but additional data are needed to prove that conclusively. Therefore, this variant has been classified as Likely Pathogenic.

Literature cited by the submitters: PubMed 16199547; PubMed 25192045.

NM_145045.5(ODAD3):c.1116+1G>A

Gene: ODAD3 (outer dynein arm docking complex subunit 3; minus strand). Cytogenetic location: 19p13.2.
Variant type: single nucleotide variant.
Coding change: c.1116+1G>A on transcript NM_145045.5 (MANE Select); the canonical splice donor site of the intron after coding-DNA position 1116, G replaced by A.
Molecular consequence: splice donor variant.
Genome position (GRCh38, 1-based): chr19:11,423,876, C>T on the plus strand (G>A on the coding strand, the complement: ODAD3 is on the minus strand). VCF-style: chr19-11423876-C-T. GRCh37 (hg19) VCF-style: chr19-11534545-C-T.
Other names: c.954+1G>A (NM_001302453.1); c.936+1G>A (NM_001302454.2).
Identifiers: ClinVar variation 2044380 (VCV002044380.4), dbSNP rs761992279, ClinGen allele CA404121380.
Genomic context (GRCh38, chr19:11,423,876, plus strand): 5'-CCCTGGGGCCCGTCTGGGGTGGGGGGGGGGCGCGGCGGAGAGGGCTGCGGGCAGAACTCA[C>T]GTGCGTCTCGTCAGTGCCAGTGGCGTCCTTGACCTTGCCAAAGATCACCTCCATCTGGTA-3'